The following is an entry in ClinVar:

ClinVar aggregate classification (germline): Conflicting classifications of pathogenicity. Review status: criteria provided, conflicting classifications (1 of 4 stars). 2 submissions from 2 submitters: Likely pathogenic (1); Uncertain significance (1). Last evaluated 2026-01-02.

Conditions:
Maturity-onset diabetes of the young type 3. Also called: MODY type 3; MODY, type III. Identifiers: Orphanet 552, MedGen C1838100, MeSH C563933, MONDO:0010894, OMIM 600496. Disease mechanism: loss of function.

Submissions (2):

Institute of Human Genetics, University of Leipzig Medical Center
Classification: Likely pathogenic for Maturity-onset diabetes of the young type 3. Last evaluated: 2026-01-02. Review status: criteria provided, single submitter. Criteria: ACMG Guidelines, 2015. Collection method: clinical testing. Allele origin: maternal. Inheritance: Autosomal dominant inheritance. Affected: yes.
Comment: Criteria applied: PM5_STR,PM1_SUP,PM2_SUP,PP3

Athena Diagnostics
Classification: Uncertain significance. Last evaluated: 2022-07-14. Review status: criteria provided, single submitter. Criteria: Athena Diagnostics Criteria. Collection method: clinical testing. Allele origin: unknown.

Literature cited by the submitters: PubMed 25483937 (cited by Athena Diagnostics); PubMed 21224407 (cited by Athena Diagnostics).

NM_000545.8(HNF1A):c.494G>T (p.Trp165Leu)

Gene: HNF1A (HNF1 homeobox A; plus strand). Cytogenetic location: 12q24.31.
Variant type: single nucleotide variant.
Coding change: c.494G>T on transcript NM_000545.8 (MANE Select); coding-DNA position 494, G replaced by T.
Protein change: p.Trp165Leu; replaces tryptophan 165 with leucine.
Molecular consequence: missense variant.
Genome position (GRCh38, 1-based): chr12:120,989,000, G>T. VCF-style: chr12-120989000-G-T. GRCh37 (hg19) VCF-style: chr12-121426803-G-T.
Other names: c.494G>T, p.Trp165Leu (NM_001306179.2, NM_001406915.1); short protein forms W165L.
Identifiers: ClinVar variation 1807437 (VCV001807437.3), dbSNP rs1555211436, ClinGen allele CA386960537.
Genomic context (GRCh38, chr12:120,989,000, plus strand): 5'-CCCAACACCTCAACAAGGGCACTCCCATGAAGACGCAGAAGCGGGCCGCCCTGTACACCT[G>T]GTACGTCCGCAAGCAGCGAGAGGTGGCGCAGCGTAAGTAATGACCCTACCCCGCATCTTC-3'
Protein context (NP_000536.6, residues 155-175): KTQKRAALYT[Trp165Leu]YVRKQREVAQ